The following is an entry in ClinVar:

NM_006086.4(TUBB3):c.834C>G (p.Ser278Arg)

Gene: TUBB3 (tubulin beta 3 class III; plus strand). Cytogenetic location: 16q24.3.
Variant type: single nucleotide variant.
Coding change: c.834C>G on transcript NM_006086.4 (MANE Select); coding-DNA position 834, C replaced by G.
Protein change: p.Ser278Arg; replaces serine 278 with arginine.
Molecular consequence: missense variant.
Genome position (GRCh38, 1-based): chr16:89,935,285, C>G. VCF-style: chr16-89935285-C-G. GRCh37 (hg19) VCF-style: chr16-90001693-C-G.
Other names: c.618C>G, p.Ser206Arg (NM_001197181.2); short protein forms S206R, S278R.
Identifiers: ClinVar variation 427208 (VCV000427208.2), dbSNP rs1085308026, ClinGen allele CA397475495.

ClinVar aggregate classification (germline): Likely pathogenic (1 of 4 stars; one submission).

Submission:

GeneDx
Classification: Likely pathogenic. Last evaluated: 2015-03-31. Review status: criteria provided, single submitter. Criteria: GeneDx Variant Classification (06012015). Collection method: clinical testing. Allele origin: germline. Affected: yes.
Comment: The S278R variant in the TUBB3 gene has not been published as a pathogenic variant, nor has it been reported as a benign polymorphism to our knowledge. The S278R variant was not observed in approximately 6,500 individuals of European and African American ancestry in the NHLBI Exome Sequencing Project, indicating it is not a common benign variant in these populations. The S278R variant is a semi-conservative amino acid substitution, which may impact secondary protein structure as these residues differ in some properties. This substitution occurs at a position that is conserved across species and in silico analysis predicts this variant is probably damaging to the protein structure/function. Therefore, the S278R variant is a good candidate for a disease-causing variant, however the possibility it may be a rare benign variant cannot be excluded.